The following is an entry in ClinVar:

NM_033026.6(PCLO):c.10609C>G (p.Pro3537Ala)

Gene: PCLO (piccolo presynaptic cytomatrix protein; minus strand). Cytogenetic location: 7q21.11.
Variant type: single nucleotide variant.
Coding change: c.10609C>G on transcript NM_033026.6 (MANE Select); coding-DNA position 10609, C replaced by G.
Protein change: p.Pro3537Ala; replaces proline 3537 with alanine.
Molecular consequence: missense variant.
Genome position (GRCh38, 1-based): chr7:82,949,979, G>C on the plus strand (C>G on the coding strand, the complement: PCLO is on the minus strand). VCF-style: chr7-82949979-G-C. GRCh37 (hg19) VCF-style: chr7-82579295-G-C.
Other names: c.10609C>G, p.Pro3537Ala (NM_014510.3); short protein forms P3537A.
Identifiers: ClinVar variation 1498566 (VCV001498566.8), dbSNP rs1389616250, ClinGen allele CA367902778.

ClinVar aggregate classification (germline): Uncertain significance (1 of 4 stars; one submission).

Submission:

Labcorp Genetics (formerly Invitae), Labcorp
Classification: Uncertain significance. Last evaluated: 2021-03-04. Review status: criteria provided, single submitter. Criteria: Invitae Variant Classification Sherloc (09022015). Collection method: clinical testing. Allele origin: germline.
Comment: This variant has not been reported in the literature in individuals with PCLO-related conditions. Algorithms developed to predict the effect of missense changes on protein structure and function are either unavailable or do not agree on the potential impact of this missense change (SIFT: "Deleterious"; PolyPhen-2: "Not Available"; Align-GVGD: "Class C0"). In summary, the available evidence is currently insufficient to determine the role of this variant in disease. Therefore, it has been classified as a Variant of Uncertain Significance. This variant is not present in population databases (ExAC no frequency). This sequence change replaces proline with alanine at codon 3537 of the PCLO protein (p.Pro3537Ala). The proline residue is highly conserved and there is a small physicochemical difference between proline and alanine.